The following is an entry in ClinVar:

ClinVar aggregate classification (germline): Conflicting classifications of pathogenicity. Review status: criteria provided, conflicting classifications (1 of 4 stars). 5 submissions from 5 submitters: Likely pathogenic (1); Uncertain significance (4). Last evaluated 2024-10-30.

Conditions:
CDKN2A-related disorder. Also called: CDKN2A-related condition.
Familial melanoma. Also called: Hereditary melanoma; Hereditary cutaneous melanoma. Identifiers: Orphanet 618, MedGen C1512419, MONDO:0018961.
Hereditary cancer-predisposing syndrome. Also called: Neoplastic Syndromes, Hereditary; Tumor predisposition; Hereditary Cancer Syndrome; Hereditary neoplastic syndrome. Identifiers: Orphanet 140162, MedGen C0027672, MeSH D009386, MONDO:0015356.

Allele frequency attached by ClinVar (database versions not stated): gnomAD exomes below 0.00001; gnomAD 0.00001; TOPMed 0.00001.
gnomAD v4.1: 3 of 1,594,848 alleles (0.00019%); highest among the groups gnomAD compares: Non-Finnish European, 0.00025%; no homozygotes.

Submissions (5):

Ambry Genetics
Classification: Uncertain significance for Hereditary cancer-predisposing syndrome. Last evaluated: 2024-10-30. Review status: criteria provided, single submitter. Criteria: Ambry Variant Classification Scheme 2023. Collection method: clinical testing. Allele origin: germline.
Comment: The p.G67D variant (also known as c.200G>A), located in coding exon 2 of the CDKN2A gene, results from a G to A substitution at nucleotide position 200. The glycine at codon 67 is replaced by aspartic acid, an amino acid with similar properties. Other amino acid substitutions at this codon (arginine and serine) have been identified in multiple familial melanoma and pancreatic cancer kindreds but did not segregate completely with disease in these families (Kannengiesser C et al. Hum Mutat, 2009 Apr;30:564-74; Holland EA et al. Genes Chromosomes Cancer, 1999 Aug;25:339-48; Newton Bishop JA et al. Br J Cancer, 1999 Apr;80:295-300; Bishop DT et al. J Natl Cancer Inst, 2002 Jun;94:894-903; Goldstein AM et al. J Med Genet, 2007 Feb;44:99-106; Miller PJ et al. Hum Mutat, 2011 Aug;32:900-11; Ghiorzo P et al. J. Med. Genet., 2012 Mar;49:164-70). In functional studies, both of these close-match variants also showed an intermediate defect in CDK4 and CDK6 binding as well as an intermediate defect in cell proliferation (Kannengiesser C et al. Hum Mutat, 2009 Apr;30:564-74; Rizos H et al. J Biol Chem, 2001 Nov;276:41424-34; McKenzie HA et al. Hum Mutat, 2010 Jun;31:692-701). While these various functional studies don't agree on the effect that the close-matches have on cell cycle inhibition, they do agree that sub-cellular localization appears abnormal for these variants (Miller PJ et al. Hum Mutat, 2011 Aug;32:900-11; Rizos H et al. J Biol Chem, 2001 Nov;276:41424-34; McKenzie HA et al. Hum Mutat, 2010 Jun;31:692-701). Internal structural analysis predicts that CDKN2A p.G67D will be similarly destabilizing to the local structure as the close-match variants (Russo AA et al. Nature, 1998 Sep;395:237-43; Kannengiesser C et al. Hum Mutat, 2009 Apr;30:564-74; Rizos H et al. J Biol Chem, 2001 Nov;276:41424-34; Ambry internal data). This amino acid position is highly conserved in available vertebrate species. In addition, this alteration is predicted to be deleterious by in silico analysis. Based on the available evidence, the clinical significance of this variant remains unclear.

Blueprint Genetics
Classification: Likely pathogenic for CDKN2A-related disorders. Last evaluated: 2024-09-20. Review status: criteria provided, single submitter. Criteria: ACMG Guidelines, 2015. Collection method: clinical testing. Allele origin: germline. Affected: yes. Observed: 5 variant alleles.

GeneDx
Classification: Uncertain significance. Last evaluated: 2024-09-17. Review status: criteria provided, single submitter. Criteria: GeneDx Variant Classification Process June 2021. Collection method: clinical testing. Allele origin: germline. Affected: yes.
Comment: Not observed at significant frequency in large population cohorts (gnomAD); In silico analysis supports that this missense variant has a deleterious effect on protein structure/function; Has not been previously published as pathogenic or benign to our knowledge; This variant is associated with the following publications: (PMID: Ghasemi[CaseReport]2021)

Labcorp Genetics (formerly Invitae), Labcorp
Classification: Uncertain significance for Familial melanoma. Last evaluated: 2024-01-04. Review status: criteria provided, single submitter. Criteria: Invitae Variant Classification Sherloc (09022015). Collection method: clinical testing. Allele origin: germline.
Comment: This sequence change replaces glycine, which is neutral and non-polar, with aspartic acid, which is acidic and polar, at codon 67 of the CDKN2A (p16INK4a) protein (p.Gly67Asp). This variant is not present in population databases (gnomAD no frequency). This variant has not been reported in the literature in individuals affected with CDKN2A (p16INK4a)-related conditions. ClinVar contains an entry for this variant (Variation ID: 216273). An algorithm developed to predict the effect of missense changes on protein structure and function (PolyPhen-2) suggests that this variant is likely to be disruptive. In summary, the available evidence is currently insufficient to determine the role of this variant in disease. Therefore, it has been classified as a Variant of Uncertain Significance.

Color Diagnostics, LLC DBA Color Health
Classification: Uncertain significance for Hereditary cancer-predisposing syndrome. Last evaluated: 2023-12-05. Review status: criteria provided, single submitter. Criteria: ACMG Guidelines, 2015. Collection method: clinical testing. Allele origin: germline.
Comment: The CDKN2A locus encodes two different gene products, p16INK4a and p14ARF. This missense variant replaces glycine with aspartic acid at codon 67 of the CDKN2A (p16INK4A) protein. Computational prediction suggests that this variant may have deleterious impact on protein structure and function (internally defined REVEL score threshold >= 0.7, PMID: 27666373). To our knowledge, functional studies have not been reported for this variant. This variant has not been reported in individuals affected with CDKN2A-related disorders in the literature. This variant has not been identified in the general population by the Genome Aggregation Database (gnomAD). The available evidence is insufficient to determine the role of this variant in disease conclusively. Therefore, this variant is classified as a Variant of Uncertain Significance.

Literature cited by the submitters: PubMed 10390011 (cited by Ambry Genetics); PubMed 10398427 (cited by Ambry Genetics); PubMed 11518711 (cited by Ambry Genetics); PubMed 12072543 (cited by Ambry Genetics); PubMed 16905682 (cited by Ambry Genetics); PubMed 19260062 (cited by Ambry Genetics); PubMed 20340136 (cited by Ambry Genetics); PubMed 21462282 (cited by Ambry Genetics); PubMed 22368299 (cited by Ambry Genetics); PubMed 9751050 (cited by Ambry Genetics).

NM_000077.5(CDKN2A):c.200G>A (p.Gly67Asp)

Gene: CDKN2A (cyclin dependent kinase inhibitor 2A; minus strand). Cytogenetic location: 9p21.3.
Variant type: single nucleotide variant.
Coding change: c.200G>A on transcript NM_000077.5; coding-DNA position 200, G replaced by A.
Protein change: p.Gly67Asp; replaces glycine 67 with aspartic acid.
Molecular consequence: missense variant (on NM_000077.6). On other transcripts: synonymous variant (1), 3 prime UTR variant (1).
Genome position (GRCh38, 1-based): chr9:21,971,159, C>T on the plus strand (G>A on the coding strand, the complement: CDKN2A is on the minus strand). VCF-style: chr9-21971159-C-T. GRCh37 (hg19) VCF-style: chr9-21971158-C-T.
Other names: c.200G>A, p.Gly67Asp (NM_000077.6, NM_001195132.2); c.47G>A, p.Gly16Asp (NM_001363763.2); c.243G>A, p.Arg81= (NM_058195.4); c.*123G>A (NM_058197.5); short protein forms G67D, G16D.
Identifiers: ClinVar variation 216273 (VCV000216273.20), dbSNP rs863224605, ClinGen allele CA337960.
Genomic context (GRCh38, chr9:21,971,159, plus strand): 5'-CGGGCAGCGTCGTGCACGGGTCGGGTGAGAGTGGCGGGGTCGGCGCAGTTGGGCTCCGCG[C>T]CGTGGAGCAGCAGCAGCTCCGCCACTCGGGCGCTGCCCATCATCATGACCTGCCAGAGAG-3'
Protein context (NP_000068.1, residues 57-77): ARVAELLLLH[Gly67Asp]AEPNCADPAT